The following is an entry in ClinVar:

ClinVar aggregate classification (germline): Uncertain significance. Review status: criteria provided, multiple submitters, no conflicts (2 of 4 stars). 5 submissions from 5 submitters: Uncertain significance (4). 1 of the submissions does not count toward it. Last evaluated 2025-12-10.

Conditions:
ALK-related disorder. Also called: ALK-related condition.
Hereditary cancer-predisposing syndrome. Also called: Tumor predisposition; Neoplastic Syndromes, Hereditary; Hereditary Cancer Syndrome; Hereditary neoplastic syndrome. Identifiers: Orphanet 140162, MedGen C0027672, MeSH D009386, MONDO:0015356.
Neuroblastoma, susceptibility to, 3. Also called: ALK-Related Neuroblastic Tumor Susceptibility. Identifiers: Orphanet 635, MedGen C2751681, MONDO:0013083, OMIM 613014.

Allele frequency attached by ClinVar (database versions not stated): gnomAD exomes 0.00001 and 0.00002; TOPMed 0.00002; ExAC 0.00001; gnomAD 0.00003 and 0.00004.
gnomAD v4.1: 21 of 1,614,060 alleles (0.0013%); highest among the groups gnomAD compares: Admixed American, 0.01%; no homozygotes.

Submissions (5):

Labcorp Genetics (formerly Invitae), Labcorp
Classification: Uncertain significance for Neuroblastoma, susceptibility to, 3. Last evaluated: 2025-12-10. Review status: criteria provided, single submitter. Criteria: Invitae Variant Classification Sherloc (09022015). Collection method: clinical testing. Allele origin: germline.
Comment: This sequence change replaces arginine, which is basic and polar, with histidine, which is basic and polar, at codon 1084 of the ALK protein (p.Arg1084His). This variant is present in population databases (rs760151617, gnomAD 0.01%). This variant has not been reported in the literature in individuals affected with ALK-related conditions. ClinVar contains an entry for this variant (Variation ID: 404330). An algorithm developed to predict the effect of missense changes on protein structure and function (PolyPhen-2) suggests that this variant is likely to be disruptive. In summary, the available evidence is currently insufficient to determine the role of this variant in disease. Therefore, it has been classified as a Variant of Uncertain Significance.

Ambry Genetics
Classification: Uncertain significance for Hereditary cancer-predisposing syndrome. Last evaluated: 2024-04-27. Review status: criteria provided, single submitter. Criteria: Ambry Variant Classification Scheme 2023. Collection method: clinical testing. Allele origin: germline.
Comment: The p.R1084H variant (also known as c.3251G>A), located in coding exon 20 of the ALK gene, results from a G to A substitution at nucleotide position 3251. The arginine at codon 1084 is replaced by histidine, an amino acid with highly similar properties. This amino acid position is conserved. In addition, the in silico prediction for this alteration is inconclusive. Since supporting evidence is limited at this time, the clinical significance of this alteration remains unclear.

GeneDx
Classification: Uncertain significance. Last evaluated: 2023-06-09. Review status: criteria provided, single submitter. Criteria: GeneDx Variant Classification Process June 2021. Collection method: clinical testing. Allele origin: germline. Affected: yes.
Comment: Not observed at significant frequency in large population cohorts (gnomAD); In silico analysis supports that this missense variant has a deleterious effect on protein structure/function; Has not been previously published as pathogenic or benign to our knowledge; This variant is associated with the following publications: (PMID: 31721781, 29654263)

Fulgent Genetics
Classification: Uncertain significance for Neuroblastoma, susceptibility to, 3. Last evaluated: 2018-10-31. Review status: criteria provided, single submitter. Criteria: ACMG Guidelines, 2015. Collection method: clinical testing. Allele origin: unknown.

PreventionGenetics, part of Exact Sciences
Classification: Uncertain significance for ALK-related condition. Last evaluated: 2024-09-04. Review status: no assertion criteria provided. Collection method: clinical testing. Allele origin: germline. Not counted in ClinVar's aggregate classification.
Comment: The ALK c.3251G>A variant is predicted to result in the amino acid substitution p.Arg1084His. To our knowledge, this variant has not been reported in the literature. This variant is reported in 0.011% of alleles in individuals of Latino descent in gnomAD and it is interpreted as a variant of uncertain significance in ClinVar. At this time, the clinical significance of this variant is uncertain due to the absence of conclusive functional and genetic evidence.

NM_004304.5(ALK):c.3251G>A (p.Arg1084His)

Gene: ALK (ALK receptor tyrosine kinase; minus strand). Cytogenetic location: 2p23.2.
Variant type: single nucleotide variant.
Coding change: c.3251G>A on transcript NM_004304.5 (MANE Select); coding-DNA position 3251, G replaced by A.
Protein change: p.Arg1084His; replaces arginine 1084 with histidine.
Molecular consequence: missense variant.
Genome position (GRCh38, 1-based): chr2:29,223,450, C>T on the plus strand (G>A on the coding strand, the complement: ALK is on the minus strand). VCF-style: chr2-29223450-C-T. GRCh37 (hg19) VCF-style: chr2-29446316-C-T.
Other names: c.47G>A, p.Arg16His (NM_001353765.2); short protein forms R1084H, R16H.
Identifiers: ClinVar variation 404330 (VCV000404330.16), dbSNP rs760151617, ClinGen allele CA1594026.